The following is an entry in ClinVar:

ClinVar aggregate classification (germline): Benign. Review status: criteria provided, multiple submitters, no conflicts (2 of 4 stars). 3 submissions from 3 submitters: Benign (2). 1 of the submissions does not count toward it. Last evaluated 2022-04-01.

Conditions:
DHX16-related disorder. Also called: DHX16-related condition.

Allele frequency attached by ClinVar (database versions not stated): 1000 Genomes Project 30x 0.00125; 1000 Genomes Project 0.00160; TOPMed 0.00261; ESP Exome Variant Server 0.00308.
gnomAD v4.1: 4,139 of 1,613,036 alleles (0.26%); highest among the groups gnomAD compares: Middle Eastern, 2.3%; 24 homozygotes.

Submissions (3):

CeGaT Center for Human Genetics Tuebingen
Classification: Benign. Last evaluated: 2022-04-01. Review status: criteria provided, single submitter. Criteria: CeGaT Center For Human Genetics Tuebingen Variant Classification Criteria Version 2. Collection method: clinical testing. Allele origin: germline. Affected: yes. Observed: 1 variant allele.
Comment: DHX16: BP4, BP7, BS1, BS2

Labcorp Genetics (formerly Invitae), Labcorp
Classification: Benign. Last evaluated: 2018-04-25. Review status: criteria provided, single submitter. Criteria: Invitae Variant Classification Sherloc (09022015). Collection method: clinical testing. Allele origin: germline.

PreventionGenetics, part of Exact Sciences
Classification: Benign for DHX16-related condition. Last evaluated: 2019-10-30. Review status: no assertion criteria provided. Collection method: clinical testing. Allele origin: germline. Not counted in ClinVar's aggregate classification.
Comment: This variant is classified as benign based on ACMG/AMP sequence variant interpretation guidelines (Richards et al. 2015 PMID: 25741868, with internal and published modifications).

NM_003587.5(DHX16):c.2886G>C (p.Val962=)

Gene: DHX16 (DEAH-box helicase 16; minus strand). Cytogenetic location: 6p21.33.
Variant type: single nucleotide variant.
Coding change: c.2886G>C on transcript NM_003587.5 (MANE Select); coding-DNA position 2886, G replaced by C.
Protein change: p.Val962=; no amino-acid change (valine 962 retained).
Molecular consequence: synonymous variant.
Genome position (GRCh38, 1-based): chr6:30,654,817, C>G on the plus strand (G>C on the coding strand, the complement: DHX16 is on the minus strand). VCF-style: chr6-30654817-C-G. GRCh37 (hg19) VCF-style: chr6-30622594-C-G.
Other names: c.2706G>C, p.Val902= (NM_001164239.2); c.1443G>C, p.Val481= (NM_001363515.2).
Identifiers: ClinVar variation 711864 (VCV000711864.28), dbSNP rs146265602, ClinGen allele CA3700816.